The following is an entry in ClinVar:

ClinVar aggregate classification (germline): Uncertain significance. Review status: criteria provided, multiple submitters, no conflicts (2 of 4 stars). 2 submissions from 2 submitters: Uncertain significance (2). Last evaluated 2024-06-23.

Conditions:
Inborn genetic diseases. Identifiers: MedGen C0950123, MeSH D030342.

Submissions (2):

Labcorp Genetics (formerly Invitae), Labcorp
Classification: Uncertain significance. Last evaluated: 2024-06-23. Review status: criteria provided, single submitter. Criteria: Invitae Variant Classification Sherloc (09022015). Collection method: clinical testing. Allele origin: germline.
Comment: This sequence change replaces threonine, which is neutral and polar, with isoleucine, which is neutral and non-polar, at codon 725 of the ATR protein (p.Thr725Ile). This variant is not present in population databases (gnomAD no frequency). This variant has not been reported in the literature in individuals affected with ATR-related conditions. ClinVar contains an entry for this variant (Variation ID: 1787157). An algorithm developed to predict the effect of missense changes on protein structure and function (PolyPhen-2) suggests that this variant is likely to be tolerated. In summary, the available evidence is currently insufficient to determine the role of this variant in disease. Therefore, it has been classified as a Variant of Uncertain Significance.

Ambry Genetics
Classification: Uncertain significance for Inborn genetic diseases. Last evaluated: 2021-11-17. Review status: criteria provided, single submitter. Criteria: Ambry Variant Classification Scheme 2023. Collection method: clinical testing. Allele origin: germline.
Comment: The p.T725I variant (also known as c.2174C>T), located in coding exon 10 of the ATR gene, results from a C to T substitution at nucleotide position 2174. The threonine at codon 725 is replaced by isoleucine, an amino acid with similar properties. This amino acid position is conserved. In addition, this alteration is predicted to be tolerated by in silico analysis. Since supporting evidence is limited at this time, the clinical significance of this alteration remains unclear.

NM_001184.4(ATR):c.2174C>T (p.Thr725Ile)

Gene: ATR (ATR checkpoint kinase; minus strand). Cytogenetic location: 3q23.
Variant type: single nucleotide variant.
Coding change: c.2174C>T on transcript NM_001184.4 (MANE Select); coding-DNA position 2174, C replaced by T.
Protein change: p.Thr725Ile; replaces threonine 725 with isoleucine.
Molecular consequence: missense variant.
Genome position (GRCh38, 1-based): chr3:142,556,044, G>A on the plus strand (C>T on the coding strand, the complement: ATR is on the minus strand). VCF-style: chr3-142556044-G-A. GRCh37 (hg19) VCF-style: chr3-142274886-G-A.
Other names: c.1982C>T, p.Thr661Ile (NM_001354579.2); short protein forms T661I, T725I.
Identifiers: ClinVar variation 1787157 (VCV001787157.7), dbSNP rs767124195, ClinGen allele CA354818833.